The following is an entry in ClinVar:

ClinVar aggregate classification (germline): Likely pathogenic (1 of 4 stars; one submission).

Conditions:
Intellectual disability, autosomal dominant 9 (NESCAVS). Also called: NESCAV SYNDROME; KIF1A-Related Neurodevelopmental Disorder. Identifiers: Orphanet 662367, MedGen C5393830, MONDO:0013656, OMIM 614255.

Submission:

3billion
Classification: Likely pathogenic for Intellectual disability, autosomal dominant 9. Last evaluated: 2025-07-28. Review status: criteria provided, single submitter. Criteria: ACMG Guidelines, 2015. Collection method: clinical testing. Allele origin: germline. Affected: yes.
Comment: The variant is not observed in the gnomAD v4.1.0 dataset. Predicted Consequence/Location: The variant is located in a mutational hot spot and/or well-established functional domain in which established pathogenic variants have been reported (PMID: 31488895). In silico tool predictions suggest damaging effect of the variant on gene or gene product [REVEL: 0.90 (>=0.6, sensitivity 0.68 and specificity 0.92); 3Cnet: 1.00 (> 0.75, sensitivity 0.96 and precision 0.92)]. A different missense change at the same codon (p.Gly199Arg) has been reported as pathogenic/likely pathogenic with strong evidence (ClinVar ID: VCV000449043 /PMID: 27034427, 30842224). Therefore, this variant is classified as Likely pathogenic according to the recommendation of ACMG/AMP guideline.

Literature cited by the submitters: PubMed 27034427.

NM_001244008.2(KIF1A):c.596G>T (p.Gly199Val)

Gene: KIF1A (kinesin family member 1A; minus strand). Cytogenetic location: 2q37.3.
Variant type: single nucleotide variant.
Coding change: c.596G>T on transcript NM_001244008.2 (MANE Select); coding-DNA position 596, G replaced by T.
Protein change: p.Gly199Val; replaces glycine 199 with valine.
Molecular consequence: missense variant.
Genome position (GRCh38, 1-based): chr2:240,786,347, C>A on the plus strand (G>T on the coding strand, the complement: KIF1A is on the minus strand). VCF-style: chr2-240786347-C-A. GRCh37 (hg19) VCF-style: chr2-241725764-C-A.
Other names: c.596G>T, p.Gly199Val (NM_001379637.1, NM_001379638.1, NM_001379639.1 and 20 more transcripts); short protein forms G199V.
Identifiers: ClinVar variation 4856338 (VCV004856338.1).
Genomic context (GRCh38, chr2:240,786,347, plus strand): 5'-GGCGGCAGGACAGGAGGGCAGGGAGGTCCAGTGAGTCCCTCCACCCACCTGGCCTTGTTC[C>A]CTGAGTCCATGAGGTCCTGGATGTCATTGTAGGAGGTGACAGCCAGCTTGGAGAGGTCCT-3'
Protein context (NP_001230937.1, residues 189-209): YNDIQDLMDS[Gly199Val]NKARTVAATN